The following is an entry in ClinVar:

ClinVar aggregate classification (germline): Pathogenic (1 of 4 stars; one submission).

Conditions:
Glutaric aciduria, type 1. Also called: Glutaryl-CoA dehydrogenase deficiency; Glutaric Acidemia Type 1; Glutaric acidemia type I; Glutaricacidemia Type 1; Glutaricaciduria, type I; GA I. Identifiers: Orphanet 25, MedGen C0268595, MONDO:0009281, OMIM 231670.

Submission:

Labcorp Genetics (formerly Invitae), Labcorp
Classification: Pathogenic for Glutaric aciduria, type 1. Last evaluated: 2022-10-08. Review status: criteria provided, single submitter. Criteria: Invitae Variant Classification Sherloc (09022015). Collection method: clinical testing. Allele origin: germline.
Comment: This sequence change creates a premature translational stop signal (p.Cys308Leufs*35) in the GCDH gene. It is expected to result in an absent or disrupted protein product. Loss-of-function variants in GCDH are known to be pathogenic (PMID: 10699052, 11854167, 16602100). For these reasons, this variant has been classified as Pathogenic. This variant has not been reported in the literature in individuals affected with GCDH-related conditions. This variant is not present in population databases (gnomAD no frequency).

Literature cited by the submitters: PubMed 10699052; PubMed 11854167; PubMed 16602100.

NM_000159.4(GCDH):c.920dup (p.Cys308fs)

Gene: GCDH (glutaryl-CoA dehydrogenase; plus strand). Cytogenetic location: 19p13.13.
Variant type: Duplication.
Coding change: c.920dup on transcript NM_000159.4 (MANE Select); coding-DNA position 920, one base duplicated (T; older notation c.920dupT).
Protein change: p.Cys308fs; shifts the reading frame from cysteine 308.
Molecular consequence: frameshift variant. On other transcripts: non-coding transcript variant (2).
Genome position (GRCh38, 1-based): chr19:12,896,977, T duplicated; the last of 2 consecutive T bases (chr19:12,896,976-12,896,977); duplicating either gives the same sequence. VCF-style (leftmost placement, unchanged base first): chr19-12896975-G-GT. GRCh37 (hg19) VCF-style: chr19-13007789-G-GT.
Other names: c.920dup, p.Cys308fs (NM_013976.5); short protein forms C308fs.
Identifiers: ClinVar variation 2143151 (VCV002143151.4), dbSNP rs2512574982, ClinGen allele CA2580096546.